The following is an entry in ClinVar:

ClinVar aggregate classification (germline): Uncertain significance. Review status: criteria provided, multiple submitters, no conflicts (2 of 4 stars). 3 submissions from 3 submitters: Uncertain significance (3). Last evaluated 2024-09-09.

Conditions:
Hereditary nonpolyposis colorectal neoplasms. Identifiers: MedGen C0009405, MeSH D003123.
Hereditary cancer-predisposing syndrome. Also called: Tumor predisposition; Hereditary Cancer Syndrome; Hereditary neoplastic syndrome; Neoplastic Syndromes, Hereditary. Identifiers: Orphanet 140162, MedGen C0027672, MeSH D009386, MONDO:0015356.
Endometrial carcinoma. Also called: Endometrial carcinoma, somatic. Identifiers: MedGen C0476089, MONDO:0002447, OMIM 608089, HP:0012114.

Submissions (3):

Ambry Genetics
Classification: Uncertain significance for Hereditary cancer-predisposing syndrome. Last evaluated: 2024-09-09. Review status: criteria provided, single submitter. Criteria: Ambry Variant Classification Scheme 2023. Collection method: clinical testing. Allele origin: germline.
Comment: The c.3524_3540del17insTT variant (also known as p.T1175_S1180delinsI), located in coding exon 6 of the MSH6 gene, results from an in-frame deletion of 17 nucleotides and insertion of TT at nucleotide positions 3524 to 3540. This results in the deletion of 5 residues (TRLGAS) and insertion of an isoleucine residue at codon 1175. This amino acid region is highly conserved in available vertebrate species. In addition, this alteration is predicted to be deleterious by in silico analysis (Choi Y et al. PLoS ONE. 2012; 7(10):e46688). Based on the available evidence, the clinical significance of this variant remains unclear.

Baylor Genetics
Classification: Uncertain significance for Endometrial carcinoma. Last evaluated: 2024-03-14. Review status: criteria provided, single submitter. Criteria: ACMG Guidelines, 2015. Collection method: clinical testing. Allele origin: unknown.

Labcorp Genetics (formerly Invitae), Labcorp
Classification: Uncertain significance for Hereditary nonpolyposis colorectal neoplasms. Last evaluated: 2019-07-11. Review status: criteria provided, single submitter. Criteria: Invitae Variant Classification Sherloc (09022015). Collection method: clinical testing. Allele origin: germline.
Comment: This variant, c.3524_3540delinsTT, is a complex sequence change that results in the deletion of 6 and insertion of 1 amino acids in the MSH6 protein (p.Thr1175_Ser1180delinsIle). This variant is not present in population databases (ExAC no frequency). This variant has not been reported in the literature in individuals with MSH6-related conditions. In summary, the available evidence is currently insufficient to determine the role of this variant in disease. Therefore, it has been classified as a Variant of Uncertain Significance.

NM_000179.3(MSH6):c.3524_3540delinsTT (p.Thr1175_Ser1180delinsIle)

Gene: MSH6 (mutS homolog 6; plus strand). Cytogenetic location: 2p16.3.
Variant type: Indel.
Coding change: c.3524_3540delinsTT on transcript NM_000179.3 (MANE Select); coding-DNA positions 3524 to 3540, CTAGACTTGGTGCCTCA replaced by TT.
Protein change: p.Thr1175_Ser1180delinsIle.
Molecular consequence: inframe indel.
Genome position (GRCh38, 1-based): chr2:47,804,995-47,805,011, CTAGACTTGGTGCCTCA replaced by TT. VCF-style: chr2-47804995-CTAGACTTGGTGCCTCA-TT. GRCh37 (hg19) VCF-style: chr2-48032134-CTAGACTTGGTGCCTCA-TT.
Other names: c.3134_3150delinsTT, p.Thr1045_Ser1050delinsIle (NM_001281492.2); c.2618_2634delinsTT, p.Thr873_Ser878delinsIle (NM_001281493.2, NM_001281494.2); c.3524_3540del17insTT (NM_000179.2).
Identifiers: ClinVar variation 487035 (VCV000487035.13), dbSNP rs1553332283, ClinGen allele CA658655715.